The following is an entry in ClinVar:

NM_001190737.2(NFIB):c.115C>T (p.Arg39Cys)

Gene: NFIB (nuclear factor I B; minus strand). Cytogenetic location: 9p22.3.
Variant type: single nucleotide variant.
Coding change: c.115C>T on transcript NM_001190737.2 (MANE Select); coding-DNA position 115, C replaced by T.
Protein change: p.Arg39Cys; replaces arginine 39 with cysteine.
Molecular consequence: missense variant. On other transcripts: 5 prime UTR variant (1).
Genome position (GRCh38, 1-based): chr9:14,307,436, G>A on the plus strand (C>T on the coding strand, the complement: NFIB is on the minus strand). VCF-style: chr9-14307436-G-A. GRCh37 (hg19) VCF-style: chr9-14307435-G-A.
Other names: c.193C>T, p.Arg65Cys (NM_001190738.2); c.181C>T, p.Arg61Cys (NM_001369458.1, NM_001369459.1, NM_001369462.1 and 1 more transcripts); c.103C>T, p.Arg35Cys (NM_001369460.1, NM_001369463.1, NM_001369466.1 and 4 more transcripts); c.115C>T, p.Arg39Cys (NM_001369461.1, NM_001369464.1, NM_001369471.1 and 4 more transcripts); c.88C>T, p.Arg30Cys (NM_001369465.1, NM_001369467.1, NM_001369476.1); c.-30C>T (NM_001369469.1); c.100C>T, p.Arg34Cys (NM_001369474.1); short protein forms R35C, R65C, R34C, R39C, R30C, R61C.
Identifiers: ClinVar variation 810358 (VCV000810358.51), dbSNP rs1588253471, ClinGen allele CA373090834.

ClinVar aggregate classification (germline): Pathogenic/Likely pathogenic. Review status: criteria provided, multiple submitters, no conflicts (2 of 4 stars). 7 submissions from 7 submitters: Pathogenic (2); Likely pathogenic (5). Last evaluated 2026-01-14.

Conditions:
NFIB-related disorder. Also called: NFIB-related condition.
Macrocephaly, acquired, with impaired intellectual development. Also called: MACROCEPHALY, ACQUIRED, WITH MENTAL RETARDATION. Identifiers: MedGen C4748993, MONDO:0032658, OMIM 618286.

Submissions (7):

Victorian Clinical Genetics Services, Murdoch Childrens Research Institute
Classification: Pathogenic for Macrocephaly, acquired, with impaired intellectual development. Last evaluated: 2026-01-14. Review status: criteria provided, single submitter. Criteria: ACMG Guidelines, 2015. Collection method: clinical testing. Allele origin: germline. Affected: yes.
Comment: This variant is classified as Pathogenic. Evidence in support of pathogenic classification: Variant is absent from gnomAD (v2, v3 and v4); This variant has strong previous evidence of pathogenicity in unrelated individuals. This variant has been classified multiple times as pathogenic/likely pathogenic by clinical laboratories in ClinVar, and has been reported in the literature as maternally inherited in an individual presenting with NFIB-related features (PMID: 36756855); Missense variant predicted to be damaging by in silico tool(s) or highly conserved with a major amino acid change; Additional information: Variant is predicted to result in a missense amino acid change from Arg to Cys; This variant is heterozygous; This gene is associated with autosomal dominant disease; Variant is located in the annotated Nuclear factor I protein pre-N-terminus domain (DECIPHER); Loss of function is a known mechanism of disease in this gene and is associated with macrocephaly, acquired, with impaired intellectual development (MIM#618286); Variants in this gene are known to have variable expressivity. Intrafamilial variability has been reported for an inherited variant (PMID: 36756855).

Clinical Genomics Laboratory, Washington University in St. Louis
Classification: Likely pathogenic for Macrocephaly, acquired, with impaired intellectual development. Last evaluated: 2024-11-22. Review status: criteria provided, single submitter. Criteria: ACMG Guidelines, 2015. Collection method: clinical testing. Allele origin: germline. Affected: yes.
Comment: The NFIB c.115C>T (p.Arg39Cys) variant has been reported in at least three unrelated individuals affected with NFIB-related developmental disorder (including macrocephaly, abnormal cortical gyration, ventriculomegaly, focal-onset seizure) (ClinVar Variation ID: 810358; personal communication). This variant has been reported to segregate with disease in one family (Gana S et al., PMID: 36756855) and to occur as de novo in another patient (personal communication). This variant is absent from the general population (gnomAD v.2.1.1), indicating it is not a common variant. Computational predictors indicate that the variant is damaging, evidence that may correlate with impact to NIFB function. Based on available information and the ACMG/AMP guidelines for variant interpretation (Richards S et al., PMID: 25741868), this variant is classified as likely pathogenic.

Baylor Genetics
Classification: Likely pathogenic for Macrocephaly, acquired, with impaired intellectual development. Last evaluated: 2024-03-26. Review status: criteria provided, single submitter. Criteria: ACMG Guidelines, 2015. Collection method: clinical testing. Allele origin: unknown.

Blueprint Genetics
Classification: Likely pathogenic for NFIB-related disorders. Last evaluated: 2024-01-31. Review status: criteria provided, single submitter. Criteria: ACMG Guidelines, 2015. Collection method: clinical testing. Allele origin: germline. Affected: yes. Observed: 3 variant alleles.

GeneDx
Classification: Pathogenic. Last evaluated: 2023-09-08. Review status: criteria provided, single submitter. Criteria: GeneDx Variant Classification Process June 2021. Collection method: clinical testing. Allele origin: germline. Affected: yes.
Comment: In silico analysis supports that this missense variant has a deleterious effect on protein structure/function; Not observed at significant frequency in large population cohorts (gnomAD); This variant is associated with the following publications: (PMID: 36756855)

MGZ Medical Genetics Center
Classification: Likely pathogenic for Macrocephaly, acquired, with impaired intellectual development. Last evaluated: 2022-05-24. Review status: criteria provided, single submitter. Criteria: ACMG Guidelines, 2015. Collection method: clinical testing. Allele origin: germline. Affected: yes. Observed: 1 variant allele.
Comment: ACMG criteria applied: PS2_MOD, PS4_MOD, PM2_SUP, PP3

CeGaT Center for Human Genetics Tuebingen
Classification: Likely pathogenic. Last evaluated: 2019-01-01. Review status: criteria provided, single submitter. Criteria: CeGaT Center For Human Genetics Tuebingen Variant Classification Criteria Version 2. Collection method: clinical testing. Allele origin: germline. Affected: yes. Observed: 1 variant allele.

Literature cited by the submitters: PubMed 36756855 (cited by Victorian Clinical Genetics Services, Murdoch Childrens Research Institute).